The following is an entry in ClinVar:

NM_001128178.3(NPHP1):c.1867G>C (p.Glu623Gln)

Gene: NPHP1 (nephrocystin 1; minus strand). Cytogenetic location: 2q13.
Variant type: single nucleotide variant.
Coding change: c.1867G>C on transcript NM_001128178.3 (MANE Select); coding-DNA position 1867, G replaced by C.
Protein change: p.Glu623Gln; replaces glutamic acid 623 with glutamine.
Molecular consequence: missense variant. On other transcripts: 3 prime UTR variant (1).
Genome position (GRCh38, 1-based): chr2:110,123,958, C>G on the plus strand (G>C on the coding strand, the complement: NPHP1 is on the minus strand). VCF-style: chr2-110123958-C-G. GRCh37 (hg19) VCF-style: chr2-110881535-C-G.
Other names: c.2035G>C (NM_000272.3); c.2035G>C, p.Glu679Gln (NM_000272.5); c.1678G>C, p.Glu560Gln (NM_001128179.3); c.1864G>C, p.Glu622Gln (NM_001374256.1); c.*109G>C (NM_001374257.1); c.2032G>C, p.Glu678Gln (NM_207181.4); short protein forms E560Q, E623Q, E678Q, E679Q, E622Q.
Identifiers: ClinVar variation 1486751 (VCV001486751.7), dbSNP rs1418617951, ClinGen allele CA348086158.
Genomic context (GRCh38, chr2:110,123,958, plus strand): 5'-GGTTTTCTTGGTTTTGCTTAAGGAAGTCAGTGATAACTTTCCACCGTGCAGTCTCAGTCT[C>G]TTCTTCTGCCCACCTGAATGGGGGTAGGCGTGTGGAGTGGAGAAGTGGGAGCACGCAGTC-3'
Protein context (NP_001121650.1, residues 613-633): RLPPFRWAEE[Glu623Gln]TETARWKVIT

ClinVar aggregate classification (germline): Uncertain significance. Review status: criteria provided, multiple submitters, no conflicts (2 of 4 stars). 2 submissions from 2 submitters: Uncertain significance (2). Last evaluated 2026-04-28.

Conditions:
Nephronophthisis. Also called: Juvenile Nephronophthisis. Identifiers: Orphanet 655, MedGen C0687120, MONDO:0019005, HP:0000090.
NPHP1-related disorder. Also called: NPHP1-related condition; NPHP1-related disorders.

Allele frequency attached by ClinVar (database versions not stated): gnomAD exomes below 0.00001; TOPMed below 0.00001; gnomAD 0.00001.
gnomAD v4.1: 2 of 1,613,902 alleles (0.00012%); highest among the groups gnomAD compares: Non-Finnish European, 0.00017%; no homozygotes.

Submissions (2):

PreventionGenetics, part of Exact Sciences
Classification: Uncertain significance for NPHP1-related condition. Last evaluated: 2026-04-28. Review status: criteria provided, single submitter. Criteria: ACMG Guidelines, 2015. Collection method: clinical testing. Allele origin: germline.
Comment: The NPHP1 c.2035G>C variant is predicted to result in the amino acid substitution p.Glu679Gln. To our knowledge, this variant has not been reported in the literature. This variant is reported in 0.00088% of alleles in individuals of European (Non-Finnish) descent in gnomAD. At this time, the clinical significance of this variant is uncertain due to the absence of conclusive functional and genetic evidence.

Labcorp Genetics (formerly Invitae), Labcorp
Classification: Uncertain significance for Nephronophthisis. Last evaluated: 2022-10-18. Review status: criteria provided, single submitter. Criteria: Invitae Variant Classification Sherloc (09022015). Collection method: clinical testing. Allele origin: germline.
Comment: This sequence change replaces glutamic acid, which is acidic and polar, with glutamine, which is neutral and polar, at codon 679 of the NPHP1 protein (p.Glu679Gln). This variant is present in population databases (no rsID available, gnomAD 0.0009%). This variant has not been reported in the literature in individuals affected with NPHP1-related conditions. ClinVar contains an entry for this variant (Variation ID: 1486751). Advanced modeling of protein sequence and biophysical properties (such as structural, functional, and spatial information, amino acid conservation, physicochemical variation, residue mobility, and thermodynamic stability) performed at Invitae indicates that this missense variant is not expected to disrupt NPHP1 protein function. In summary, the available evidence is currently insufficient to determine the role of this variant in disease. Therefore, it has been classified as a Variant of Uncertain Significance.